The following is an entry in ClinVar:

NM_004380.3(CREBBP):c.5271C>T (p.Gly1757=)

Gene: CREBBP (CREB binding lysine acetyltransferase; minus strand). Cytogenetic location: 16p13.3.
Variant type: single nucleotide variant.
Coding change: c.5271C>T on transcript NM_004380.3 (MANE Select); coding-DNA position 5271, C replaced by T.
Protein change: p.Gly1757=; no amino-acid change (glycine 1757 retained).
Molecular consequence: synonymous variant.
Genome position (GRCh38, 1-based): chr16:3,729,776, G>A on the plus strand (C>T on the coding strand, the complement: CREBBP is on the minus strand). VCF-style: chr16-3729776-G-A. GRCh37 (hg19) VCF-style: chr16-3779777-G-A.
Other names: c.5157C>T, p.Gly1719= (NM_001079846.1).
Identifiers: ClinVar variation 588008 (VCV000588008.21), dbSNP rs190121951, ClinGen allele CA7869299.

ClinVar aggregate classification (germline): Benign/Likely benign. Review status: criteria provided, multiple submitters, no conflicts (2 of 4 stars). 6 submissions from 6 submitters: Benign (2); Likely benign (3). 1 of the submissions does not count toward it. Last evaluated 2025-08-21.

Conditions:
Rubinstein-Taybi syndrome (RSTS). Identifiers: Orphanet 783, MedGen C0035934, MONDO:0019188.
CREBBP-related disorder. Also called: CREBBP-related disorders; CREBBP-related condition.
Menke-Hennekam syndrome 1 (MKHK1). Identifiers: MedGen C5193034, MONDO:0020763, OMIM 618332.
Rubinstein-Taybi syndrome due to CREBBP mutations (RSTS1). Also called: Rubinstein-Taybi syndrome 1; BROAD THUMBS AND GREAT TOES, CHARACTERISTIC FACIES, AND IMPAIRED INTELLECTUAL DEVELOPMENT; CREBBP-Related Rubinstein-Taybi Syndrome; BROAD THUMB-HALLUX SYNDROME; RUBINSTEIN-TAYBI SYNDROME 1, INCOMPLETE; RUBINSTEIN SYNDROME. Identifiers: Orphanet 353277, Orphanet 783, MedGen C4551859, MONDO:0008393, OMIM 180849.
Inborn genetic diseases. Identifiers: MedGen C0950123, MeSH D030342.

Allele frequency attached by ClinVar (database versions not stated): gnomAD 0.00010; TOPMed 0.00011; 1000 Genomes Project 30x 0.00016; gnomAD exomes 0.00023.
gnomAD v4.1: 129 of 1,585,834 alleles (0.0081%); highest among the groups gnomAD compares: East Asian, 0.21%; no homozygotes.

Submissions (6):

Labcorp Genetics (formerly Invitae), Labcorp
Classification: Benign for Rubinstein-Taybi syndrome. Last evaluated: 2025-08-21. Review status: criteria provided, single submitter. Criteria: Invitae Variant Classification Sherloc (09022015). Collection method: clinical testing. Allele origin: germline.

Fulgent Genetics
Classification: Likely benign for Rubinstein-Taybi syndrome due to CREBBP mutations; Menke-Hennekam syndrome 1. Last evaluated: 2022-04-24. Review status: criteria provided, single submitter. Criteria: ACMG Guidelines, 2015. Collection method: clinical testing. Allele origin: unknown.

Blueprint Genetics
Classification: Likely benign. Last evaluated: 2022-02-08. Review status: criteria provided, single submitter. Criteria: ACMG Guidelines, 2015. Collection method: clinical testing. Allele origin: germline.

GeneDx
Classification: Benign. Last evaluated: 2021-05-11. Review status: criteria provided, single submitter. Criteria: GeneDx Variant Classification Process June 2021. Collection method: clinical testing. Allele origin: germline. Affected: yes.

Ambry Genetics
Classification: Likely benign for Inborn genetic diseases. Last evaluated: 2016-07-05. Review status: criteria provided, single submitter. Criteria: Ambry Variant Classification Scheme 2023. Collection method: clinical testing. Allele origin: germline.

PreventionGenetics, part of Exact Sciences
Classification: Likely benign for CREBBP-related condition. Last evaluated: 2023-02-24. Review status: no assertion criteria provided. Collection method: clinical testing. Allele origin: germline. Not counted in ClinVar's aggregate classification.
Comment: This variant is classified as likely benign based on ACMG/AMP sequence variant interpretation guidelines (Richards et al. 2015 PMID: 25741868, with internal and published modifications).